The following is an entry in ClinVar:

ClinVar aggregate classification (germline): Uncertain significance (1 of 4 stars; one submission).

Submission:

GeneDx
Classification: Uncertain significance. Last evaluated: 2023-03-29. Review status: criteria provided, single submitter. Criteria: GeneDx Variant Classification Process June 2021. Collection method: clinical testing. Allele origin: germline. Affected: yes.
Comment: In silico analysis supports that this missense variant does not alter protein structure/function; Has not been previously published as pathogenic or benign to our knowledge

NM_000278.5(PAX2):c.*55C>G

Gene: PAX2 (paired box 2; plus strand). Cytogenetic location: 10q24.31.
Variant type: single nucleotide variant.
Coding change: c.*55C>G on transcript NM_000278.5 (MANE Select); 55 bases downstream of the stop codon, C replaced by G.
Molecular consequence: 3 prime UTR variant. On other transcripts: synonymous variant (2).
Genome position (GRCh38, 1-based): chr10:100,827,674, C>G. VCF-style: chr10-100827674-C-G. GRCh37 (hg19) VCF-style: chr10-102587431-C-G.
Other names: c.*55C>G (NM_001304569.2, NM_003987.5); c.*132C>G (NM_003988.5); c.1221C>G, p.Val407= (NM_003989.5); c.1290C>G, p.Val430= (NM_003990.5).
Identifiers: ClinVar variation 1205444 (VCV001205444.4), dbSNP rs758109039, ClinGen allele CA653737638.
Genomic context (GRCh38, chr10:100,827,674, plus strand): 5'-CACTAGTTACCGCGGGGACCACATCAAGCTTCAGGCCGACAGCTTCGGCCTCCACATCGT[C>G]CCCGTCTGACCCCACCCCGGAGGGAGGGAGGACCGACGCGACGCGATGCCTCCCGGCCAC-3'